The following is an entry in ClinVar:

ClinVar aggregate classification (germline): Likely benign. Review status: criteria provided, multiple submitters, no conflicts (2 of 4 stars). 2 submissions from 2 submitters: Likely benign (2). Last evaluated 2024-10-25.

Allele frequency attached by ClinVar (database versions not stated): ExAC 0.00003; gnomAD 0.00003; gnomAD exomes 0.00003; TOPMed 0.00003; 1000 Genomes Project 30x 0.00016; 1000 Genomes Project 0.00020.
gnomAD v4.1: 45 of 1,614,112 alleles (0.0028%); highest among the groups gnomAD compares: Middle Eastern, 0.033%; no homozygotes.

Submissions (2):

Labcorp Genetics (formerly Invitae), Labcorp
Classification: Likely benign. Last evaluated: 2024-10-25. Review status: criteria provided, single submitter. Criteria: Invitae Variant Classification Sherloc (09022015). Collection method: clinical testing. Allele origin: germline.

GeneDx
Classification: Likely benign. Last evaluated: 2016-10-13. Review status: criteria provided, single submitter. Criteria: GeneDx Variant Classification (06012015). Collection method: clinical testing. Allele origin: germline. Affected: yes.
Comment: This variant is considered likely benign or benign based on one or more of the following criteria: it is a conservative change, it occurs at a poorly conserved position in the protein, it is predicted to be benign by multiple in silico algorithms, and/or has population frequency not consistent with disease.

NM_006796.3(AFG3L2):c.1407C>T (p.Phe469=)

Gene: AFG3L2 (AFG3 like matrix AAA peptidase subunit 2; minus strand). Cytogenetic location: 18p11.21.
Variant type: single nucleotide variant.
Coding change: c.1407C>T on transcript NM_006796.3 (MANE Select); coding-DNA position 1407, C replaced by T.
Protein change: p.Phe469=; no amino-acid change (phenylalanine 469 retained).
Molecular consequence: synonymous variant.
Genome position (GRCh38, 1-based): chr18:12,351,325, G>A on the plus strand (C>T on the coding strand, the complement: AFG3L2 is on the minus strand). VCF-style: chr18-12351325-G-A. GRCh37 (hg19) VCF-style: chr18-12351324-G-A.
Identifiers: ClinVar variation 379105 (VCV000379105.3), dbSNP rs538927944, ClinGen allele CA8896509.